The following is an entry in ClinVar:

ClinVar aggregate classification (germline): Conflicting classifications of pathogenicity. Review status: criteria provided, conflicting classifications (1 of 4 stars). 2 submissions from 2 submitters: Uncertain significance (1); Likely benign (1). Last evaluated 2018-01-13.

Conditions:
Maturity-onset diabetes of the young (MODY). Also called: Maturity onset diabetes mellitus in young. Identifiers: Orphanet 552, MedGen C0342276, MONDO:0018911, HP:0004904.
Renal cysts and diabetes syndrome (RCAD). Also called: Familial hypoplastic, glomerulocystic kidney; MATURITY-ONSET DIABETES OF THE YOUNG, TYPE 5. Identifiers: Orphanet 93111, MedGen C0431693, MONDO:0007669, OMIM 137920.

Allele frequency attached by ClinVar (database versions not stated): gnomAD exomes below 0.00001 and 0.00002.
gnomAD v4.1: 22 of 1,606,234 alleles (0.0014%); highest among the groups gnomAD compares: Non-Finnish European, 0.0018%; no homozygotes.

Submissions (2):

Illumina Laboratory Services, Illumina
Classification: Uncertain significance for Renal cysts and diabetes syndrome. Last evaluated: 2018-01-13. Review status: criteria provided, single submitter. Criteria: ICSL Variant Classification Criteria 13 December 2019. Collection method: clinical testing. Allele origin: germline.

Clinical Genomics, Uppaluri K&H Personalized Medicine Clinic
Classification: Likely benign for Maturity-onset diabetes of the young. Review status: criteria provided, single submitter. Criteria: K & H Uppaluri Personalized Medicine Clinic Variant Classification & Assertion Criteria_Updated V.1. Collection method: research. Allele origin: unknown. Inheritance: Autosomal dominant inheritance.
Comment: HNF1B gene mutations are associated with early onset diabetes and pancreatic atrophy. It is also associated with multiple renal manifestations including renal cysts, Tubulointerstitial disease, glomerulocystic disease, renal hypoplasia, hypomagnesemia. However no sufficient evidence is found to ascertain the role of this particular variant rs1197263675, yet.

Literature cited by the submitters: PubMed 24897035 (cited by Clinical Genomics, Uppaluri K&H Personalized Medicine Clinic); PubMed 25536396 (cited by Clinical Genomics, Uppaluri K&H Personalized Medicine Clinic); PubMed 27615128 (cited by Clinical Genomics, Uppaluri K&H Personalized Medicine Clinic); PubMed 28215227 (cited by Clinical Genomics, Uppaluri K&H Personalized Medicine Clinic); PubMed 33434175 (cited by Clinical Genomics, Uppaluri K&H Personalized Medicine Clinic); PubMed 25741167 (cited by Clinical Genomics, Uppaluri K&H Personalized Medicine Clinic); PubMed 26340261 (cited by Clinical Genomics, Uppaluri K&H Personalized Medicine Clinic); PubMed 19639018 (cited by Clinical Genomics, Uppaluri K&H Personalized Medicine Clinic).

NM_000458.4(HNF1B):c.309G>C (p.Ala103=)

Gene: HNF1B (HNF1 homeobox B; minus strand). Cytogenetic location: 17q12.
Variant type: single nucleotide variant.
Coding change: c.309G>C on transcript NM_000458.4 (MANE Select); coding-DNA position 309, G replaced by C.
Protein change: p.Ala103=; no amino-acid change (alanine 103 retained).
Molecular consequence: synonymous variant.
Genome position (GRCh38, 1-based): chr17:37,744,576, C>G on the plus strand (G>C on the coding strand, the complement: HNF1B is on the minus strand). VCF-style: chr17-37744576-C-G. GRCh37 (hg19) VCF-style: chr17-36104567-C-G.
Other names: c.309G>C, p.Ala103= (NM_001165923.4, NM_001304286.2).
Identifiers: ClinVar variation 892081 (VCV000892081.5), dbSNP rs1197263675, ClinGen allele CA499880004.